The following is an entry in ClinVar:

ClinVar aggregate classification (germline): Uncertain significance (1 of 4 stars; one submission).

Conditions:
Bethlem myopathy 1A. Also called: Bethlem myopathy 1; MYOPATHY, BENIGN CONGENITAL, WITH CONTRACTURES; Bethlem Muscular Dystrophy. Identifiers: Orphanet 610, MedGen CN029274, MONDO:0024530, OMIM 158810.

Allele frequency attached by ClinVar (database versions not stated): gnomAD exomes below 0.00001.
gnomAD v4.1: 1 of 1,614,020 alleles (0.000062%); highest among the groups gnomAD compares: East Asian, 0.0022%; no homozygotes.

Submission:

Labcorp Genetics (formerly Invitae), Labcorp
Classification: Uncertain significance for Bethlem myopathy 1A. Last evaluated: 2025-02-20. Review status: criteria provided, single submitter. Criteria: Invitae Variant Classification Sherloc (09022015). Collection method: clinical testing. Allele origin: germline.
Comment: This sequence change replaces serine, which is neutral and polar, with alanine, which is neutral and non-polar, at codon 300 of the COL6A3 protein (p.Ser300Ala). This variant is not present in population databases (gnomAD no frequency). This variant has not been reported in the literature in individuals affected with COL6A3-related conditions. ClinVar contains an entry for this variant (Variation ID: 2783427). Invitae Evidence Modeling of protein sequence and biophysical properties (such as structural, functional, and spatial information, amino acid conservation, physicochemical variation, residue mobility, and thermodynamic stability) indicates that this missense variant is not expected to disrupt COL6A3 protein function with a negative predictive value of 95%. In summary, the available evidence is currently insufficient to determine the role of this variant in disease. Therefore, it has been classified as a Variant of Uncertain Significance.

NM_004369.4(COL6A3):c.898T>G (p.Ser300Ala)

Gene: COL6A3 (collagen type VI alpha 3 chain; minus strand). Cytogenetic location: 2q37.3.
Variant type: single nucleotide variant.
Coding change: c.898T>G on transcript NM_004369.4 (MANE Select); coding-DNA position 898, T replaced by G.
Protein change: p.Ser300Ala; replaces serine 300 with alanine.
Molecular consequence: missense variant. On other transcripts: intron variant (2).
Genome position (GRCh38, 1-based): chr2:237,387,996, A>C on the plus strand (T>G on the coding strand, the complement: COL6A3 is on the minus strand). VCF-style: chr2-237387996-A-C. GRCh37 (hg19) VCF-style: chr2-238296639-A-C.
Other names: c.280T>G, p.Ser94Ala (NM_057165.5, NM_057167.4); c.92-6497T>G (NM_057166.5, NM_057164.5); short protein forms S300A, S94A.
Identifiers: ClinVar variation 2783427 (VCV002783427.3), dbSNP rs1559270845, ClinGen allele CA351223180.
Genomic context (GRCh38, chr2:237,387,996, plus strand): 5'-CCAACTCCCCACCAGCAAACCCGAGGGCTTTCACTGCACCCAGAACCTGGGCCTTGGTGG[A>C]GTAGGTGTCCAAGGAGAACATGGTTCTGGGCTCATCGCTAAACTGGACCACCCCCACTCG-3'
Protein context (NP_004360.2, residues 290-310): PRTMFSLDTY[Ser300Ala]TKAQVLGAVK